The following is an entry in ClinVar:

ClinVar aggregate classification (germline): Uncertain significance (1 of 4 stars; one submission).

Conditions:
Marfan syndrome (MFS). Also called: FBN1-Related Marfan Syndrome; MARFAN SYNDROME, TYPE I; Marfan syndrome type 1; Marfan's syndrome; Marfan syndrome, classic. Identifiers: Orphanet 284963, Orphanet 558, MedGen C0024796, MONDO:0007947, OMIM 154700.
Familial thoracic aortic aneurysm and aortic dissection (TAAD). Also called: Thoracic aortic aneurysms and dissections. Identifiers: Orphanet 91387, MedGen C4707243, MONDO:0019625.

Submission:

Labcorp Genetics (formerly Invitae), Labcorp
Classification: Uncertain significance for Marfan syndrome; Familial thoracic aortic aneurysm and aortic dissection. Last evaluated: 2025-06-14. Review status: criteria provided, single submitter. Criteria: Invitae Variant Classification Sherloc (09022015). Collection method: clinical testing. Allele origin: germline.
Comment: This sequence change replaces aspartic acid, which is acidic and polar, with glutamic acid, which is acidic and polar, at codon 1322 of the FBN1 protein (p.Asp1322Glu). This variant is not present in population databases (gnomAD no frequency). This variant has not been reported in the literature in individuals affected with FBN1-related conditions. An algorithm developed to predict the effect of missense changes on protein structure and function (PolyPhen-2) suggests that this variant is likely to be disruptive. In summary, the available evidence is currently insufficient to determine the role of this variant in disease. Therefore, it has been classified as a Variant of Uncertain Significance.

NM_000138.5(FBN1):c.3966C>A (p.Asp1322Glu)

Gene: FBN1 (fibrillin 1; minus strand). Cytogenetic location: 15q21.1.
Variant type: single nucleotide variant.
Coding change: c.3966C>A on transcript NM_000138.5 (MANE Select); coding-DNA position 3966, C replaced by A.
Protein change: p.Asp1322Glu; replaces aspartic acid 1322 with glutamic acid.
Molecular consequence: missense variant.
Genome position (GRCh38, 1-based): chr15:48,474,649, G>T on the plus strand (C>A on the coding strand, the complement: FBN1 is on the minus strand). VCF-style: chr15-48474649-G-T. GRCh37 (hg19) VCF-style: chr15-48766846-G-T.
Other names: c.3966C>A, p.Asp1322Glu (NM_001406716.1); short protein forms D1322E.
Identifiers: ClinVar variation 4785209 (VCV004785209.1).